The following is an entry in ClinVar:

ClinVar aggregate classification (germline): Uncertain significance (1 of 4 stars; one submission).

Conditions:
Inborn genetic diseases. Identifiers: MedGen C0950123, MeSH D030342.

Submission:

Ambry Genetics
Classification: Uncertain significance for Inborn genetic diseases. Last evaluated: 2026-06-25. Review status: criteria provided, single submitter. Criteria: Ambry Variant Classification Scheme 2023. Collection method: clinical testing. Allele origin: germline.
Comment: The p.L183V variant (also known as c.547C>G), located in coding exon 4 of the ANKRD26 gene, results from a C to G substitution at nucleotide position 547. The leucine at codon 183 is replaced by valine, an amino acid with highly similar properties. This amino acid position is conserved. In addition, the in silico prediction for this alteration is inconclusive. Based on the available evidence, the clinical significance of this variant remains unclear.

NM_014915.3(ANKRD26):c.547C>G (p.Leu183Val)

Gene: ANKRD26 (ankyrin repeat domain 26; minus strand). Cytogenetic location: 10p12.1.
Variant type: single nucleotide variant.
Coding change: c.547C>G on transcript NM_014915.3 (MANE Select); coding-DNA position 547, C replaced by G.
Protein change: p.Leu183Val; replaces leucine 183 with valine.
Molecular consequence: missense variant.
Genome position (GRCh38, 1-based): chr10:27,092,497, G>C on the plus strand (C>G on the coding strand, the complement: ANKRD26 is on the minus strand). VCF-style: chr10-27092497-G-C. GRCh37 (hg19) VCF-style: chr10-27381426-G-C.
Other names: c.547C>G, p.Leu183Val (NM_001256053.2); short protein forms L183V.
Identifiers: ClinVar variation 5022903 (VCV005022903.1).